The following is an entry in ClinVar:

NM_006648.4(WNK2):c.1959C>G (p.Ser653Arg)

Gene: WNK2 (WNK lysine deficient protein kinase 2; plus strand). Cytogenetic location: 9q22.31.
Variant type: single nucleotide variant.
Coding change: c.1959C>G on transcript NM_006648.4 (MANE Select); coding-DNA position 1959, C replaced by G.
Protein change: p.Ser653Arg; replaces serine 653 with arginine.
Molecular consequence: missense variant.
Genome position (GRCh38, 1-based): chr9:93,253,007, C>G. VCF-style: chr9-93253007-C-G. GRCh37 (hg19) VCF-style: chr9-96015289-C-G.
Other names: c.1959C>G, p.Ser653Arg (NM_001282394.3); short protein forms S653R.
Identifiers: ClinVar variation 4201854 (VCV004201854.1).

ClinVar aggregate classification (germline): Uncertain significance (1 of 4 stars; one submission).

gnomAD v4.1: 6 of 1,558,142 alleles (0.00039%); highest among the groups gnomAD compares: South Asian, 0.0071%; no homozygotes.

Submission:

Ambry Genetics
Classification: Uncertain significance. Last evaluated: 2025-08-31. Review status: criteria provided, single submitter. Criteria: Ambry Variant Classification Scheme 2023. Collection method: clinical testing. Allele origin: germline.
Comment: The p.S653R variant (also known as c.1959C>G), located in coding exon 8 of the WNK2 gene, results from a C to G substitution at nucleotide position 1959. The serine at codon 653 is replaced by arginine, an amino acid with dissimilar properties. This amino acid position is conserved. In addition, the in silico prediction for this alteration is inconclusive. Based on the available evidence, the clinical significance of this variant remains unclear.